The following is an entry in ClinVar:

ClinVar aggregate classification (germline): Uncertain significance (1 of 4 stars; one submission).

Allele frequency attached by ClinVar (database versions not stated): gnomAD below 0.00001 and 0.00003; gnomAD exomes 0.00004 and 0.00010; ExAC 0.00017.
gnomAD v4.1: 58 of 1,556,588 alleles (0.0037%); highest among the groups gnomAD compares: South Asian, 0.065%; 1 homozygote.

Submission:

Labcorp Genetics (formerly Invitae), Labcorp
Classification: Uncertain significance. Last evaluated: 2020-02-18. Review status: criteria provided, single submitter. Criteria: Invitae Variant Classification Sherloc (09022015). Collection method: clinical testing. Allele origin: germline.
Comment: In summary, the available evidence is currently insufficient to determine the role of this variant in disease. Therefore, it has been classified as a Variant of Uncertain Significance. Algorithms developed to predict the effect of missense changes on protein structure and function are either unavailable or do not agree on the potential impact of this missense change (SIFT: "Tolerated"; PolyPhen-2: "Possibly Damaging"; Align-GVGD: "Class C0"). This variant has not been reported in the literature in individuals with FSCN2-related conditions. This variant is present in population databases (rs781808566, ExAC 0.04%). This sequence change replaces valine with methionine at codon 101 of the FSCN2 protein (p.Val101Met). The valine residue is moderately conserved and there is a small physicochemical difference between valine and methionine.

NM_012418.4(FSCN2):c.301G>A (p.Val101Met)

Gene: FSCN2 (fascin actin-bundling protein 2, retinal; plus strand). Cytogenetic location: 17q25.3.
Variant type: single nucleotide variant.
Coding change: c.301G>A on transcript NM_012418.4 (MANE Select); coding-DNA position 301, G replaced by A.
Protein change: p.Val101Met; replaces valine 101 with methionine.
Molecular consequence: missense variant.
Genome position (GRCh38, 1-based): chr17:81,528,832, G>A. VCF-style: chr17-81528832-G-A. GRCh37 (hg19) VCF-style: chr17-79495858-G-A.
Other names: c.301G>A, p.Val101Met (NM_001077182.3); short protein forms V101M.
Identifiers: ClinVar variation 1004321 (VCV001004321.8), dbSNP rs781808566, ClinGen allele CA8836637.